The following is an entry in ClinVar:

NM_005045.4(RELN):c.7014C>G (p.His2338Gln)

Gene: RELN (reelin; minus strand). Cytogenetic location: 7q22.1.
Variant type: single nucleotide variant.
Coding change: c.7014C>G on transcript NM_005045.4 (MANE Select); coding-DNA position 7014, C replaced by G.
Protein change: p.His2338Gln; replaces histidine 2338 with glutamine.
Molecular consequence: missense variant.
Genome position (GRCh38, 1-based): chr7:103,539,244, G>C on the plus strand (C>G on the coding strand, the complement: RELN is on the minus strand). VCF-style: chr7-103539244-G-C. GRCh37 (hg19) VCF-style: chr7-103179691-G-C.
Other names: c.7014C>G, p.His2338Gln (NM_173054.3); c.7014C>G (NM_005045.3); short protein forms H2338Q.
Identifiers: ClinVar variation 1047358 (VCV001047358.9), dbSNP rs1562879189, ClinGen allele CA368769332.

ClinVar aggregate classification (germline): Uncertain significance. Review status: criteria provided, multiple submitters, no conflicts (2 of 4 stars). 2 submissions from 2 submitters: Uncertain significance (2). Last evaluated 2025-01-19.

Conditions:
Norman-Roberts syndrome (LIS2). Also called: Lissencephaly 2 (Norman-Roberts type). Identifiers: Orphanet 89844, MedGen C0796089, MONDO:0009760, OMIM 257320.
Familial temporal lobe epilepsy 7. Identifiers: Orphanet 101046, MedGen C4225327, MONDO:0014639, OMIM 616436.
Inborn genetic diseases. Identifiers: MedGen C0950123, MeSH D030342.

Allele frequency attached by ClinVar (database versions not stated): gnomAD exomes below 0.00001 and 0.00001; gnomAD 0.00001; TOPMed 0.00001.
gnomAD v4.1: 16 of 1,614,108 alleles (0.00099%); highest among the groups gnomAD compares: Non-Finnish European, 0.0011%; no homozygotes.

Submissions (2):

Ambry Genetics
Classification: Uncertain significance for Inborn genetic diseases. Last evaluated: 2025-01-19. Review status: criteria provided, single submitter. Criteria: Ambry Variant Classification Scheme 2023. Collection method: clinical testing. Allele origin: germline.

Labcorp Genetics (formerly Invitae), Labcorp
Classification: Uncertain significance for Familial temporal lobe epilepsy 7; Norman-Roberts syndrome. Last evaluated: 2024-09-23. Review status: criteria provided, single submitter. Criteria: Invitae Variant Classification Sherloc (09022015). Collection method: clinical testing. Allele origin: germline.
Comment: This sequence change replaces histidine, which is basic and polar, with glutamine, which is neutral and polar, at codon 2338 of the RELN protein (p.His2338Gln). This variant is not present in population databases (gnomAD no frequency). This variant has not been reported in the literature in individuals affected with RELN-related conditions. ClinVar contains an entry for this variant (Variation ID: 1047358). Invitae Evidence Modeling of protein sequence and biophysical properties (such as structural, functional, and spatial information, amino acid conservation, physicochemical variation, residue mobility, and thermodynamic stability) indicates that this missense variant is not expected to disrupt RELN protein function with a negative predictive value of 80%. In summary, the available evidence is currently insufficient to determine the role of this variant in disease. Therefore, it has been classified as a Variant of Uncertain Significance.